The following is an entry in ClinVar:

ClinVar aggregate classification (germline): Likely benign (1 of 4 stars; one submission).

Submission:

CeGaT Center for Human Genetics Tuebingen
Classification: Likely benign. Last evaluated: 2024-11-01. Review status: criteria provided, single submitter. Criteria: CeGaT Center For Human Genetics Tuebingen Variant Classification Criteria Version 2. Collection method: clinical testing. Allele origin: germline. Affected: yes. Observed: 1 variant allele.
Comment: GCNA: BP4, BP7

NM_052957.5(GCNA):c.855C>T (p.Ser285=)

Gene: GCNA (germ cell nuclear acidic peptidase; plus strand). Cytogenetic location: Xq13.1.
Variant type: single nucleotide variant.
Coding change: c.855C>T on transcript NM_052957.5 (MANE Select); coding-DNA position 855, C replaced by T.
Protein change: p.Ser285=; no amino-acid change (serine 285 retained).
Molecular consequence: synonymous variant.
Genome position (GRCh38, 1-based): chrX:71,604,132, C>T. VCF-style: chrX-71604132-C-T. GRCh37 (hg19) VCF-style: chrX-70823982-C-T.
Identifiers: ClinVar variation 3388923 (VCV003388923.14).